The following is an entry in ClinVar:

ClinVar aggregate classification (germline): Likely pathogenic (1 of 4 stars; one submission).

Conditions:
Breast-ovarian cancer, familial, susceptibility to, 3. Also called: RAD51C-Related Breast/Ovarian Cancer. Identifiers: Orphanet 145, MedGen C3150659, MONDO:0013253, OMIM 613399.

Submission:

Myriad Genetics, Inc.
Classification: Likely pathogenic for Breast-ovarian cancer, familial, susceptibility to, 3. Last evaluated: 2023-12-06. Review status: criteria provided, single submitter. Criteria: Myriad Autosomal Dominant, Autosomal Recessive and X-Linked Classification Criteria (2023). Collection method: clinical testing. Allele origin: unknown.
Comment: This variant is considered likely pathogenic. This variant creates a frameshift predicted to result in premature protein truncation.

NM_058216.3(RAD51C):c.959del (p.Lys320fs)

Gene: RAD51C (RAD51 paralog C; plus strand). Cytogenetic location: 17q22.
Variant type: Deletion.
Coding change: c.959del on transcript NM_058216.3 (MANE Select); coding-DNA position 959, one base deleted (A; older notation c.959delA).
Protein change: p.Lys320fs; shifts the reading frame from lysine 320.
Molecular consequence: frameshift variant. On other transcripts: non-coding transcript variant (1).
Genome position (GRCh38, 1-based): chr17:58,724,094, A deleted; the last of 3 consecutive A bases (chr17:58,724,092-58,724,094); deleting any one gives the same sequence. VCF-style (leftmost placement, unchanged base first): chr17-58724091-GA-G. GRCh37 (hg19) VCF-style: chr17-56801452-GA-G.
Other names: c.*387delA (NM_058217.1); short protein forms K320fs.
Identifiers: ClinVar variation 2673913 (VCV002673913.1), dbSNP rs2509344581, ClinGen allele CA2695200297.